The following is an entry in ClinVar:

NM_001127511.3(APC):c.106C>T (p.Gln36Ter)

Gene: APC (APC regulator of Wnt signaling pathway; plus strand). Cytogenetic location: 5q22.2.
Variant type: single nucleotide variant.
Coding change: c.106C>T on transcript NM_001127511.3; coding-DNA position 106, C replaced by T.
Protein change: p.Gln36Ter; replaces glutamine 36 with a stop codon.
Molecular consequence: nonsense. On other transcripts: 5 prime UTR variant (8), non-coding transcript variant (1), intron variant (5), genic upstream transcript variant (1).
Genome position (GRCh38, 1-based): chr5:112,707,823, C>T. VCF-style: chr5-112707823-C-T. GRCh37 (hg19) VCF-style: chr5-112043520-C-T.
Other names: c.-78C>T (NM_001354895.2, NM_001407447.1, NM_001407452.1 and 3 more transcripts); c.106C>T, p.Gln36Ter (NM_001354897.2, NM_001354902.2, NM_001407446.1); c.-1113C>T (NM_001407470.1, NM_001407472.1); c.-19+174C>T (NM_001407448.1, NM_001407450.1, NM_001407457.1 and 1 more transcripts); c.-43+174C>T (NM_001407453.1); c.-30121C>T (NM_000038.6); short protein forms Q36*.
Identifiers: ClinVar variation 1382074 (VCV001382074.8), dbSNP rs773941688, ClinGen allele CA053345.

ClinVar aggregate classification (germline): Uncertain significance. Review status: criteria provided, multiple submitters, no conflicts (2 of 4 stars). 2 submissions from 2 submitters: Uncertain significance (2). Last evaluated 2026-02-02.

Conditions:
Familial adenomatous polyposis 1 (FAP1). Also called: POLYPOSIS, ADENOMATOUS INTESTINAL; FAMILIAL ADENOMATOUS POLYPOSIS 1, ATTENUATED. Identifiers: MedGen C2713442, MONDO:0021056, OMIM 175100. Disease mechanism: loss of function.

Allele frequency attached by ClinVar (database versions not stated): gnomAD exomes 0.00004; ExAC 0.00008.
gnomAD v4.1: 13 of 1,370,580 alleles (0.00095%); highest among the groups gnomAD compares: South Asian, 0.016%; no homozygotes.

Submissions (2):

Labcorp Genetics (formerly Invitae), Labcorp
Classification: Uncertain significance for Familial adenomatous polyposis 1. Last evaluated: 2026-02-02. Review status: criteria provided, single submitter. Criteria: Invitae Variant Classification Sherloc (09022015). Collection method: clinical testing. Allele origin: germline.
Comment: This variant occurs in a non-coding region of the APC gene. It does not change the encoded amino acid sequence of the APC protein. This variant is present in population databases (rs773941688, gnomAD 0.02%). This variant has not been reported in the literature in individuals affected with APC-related conditions. In summary, the available evidence is currently insufficient to determine the role of this variant in disease. Therefore, it has been classified as a Variant of Uncertain Significance.

Baylor Genetics
Classification: Uncertain significance for Familial adenomatous polyposis 1. Last evaluated: 2023-10-27. Review status: criteria provided, single submitter. Criteria: ACMG Guidelines, 2015. Collection method: clinical testing. Allele origin: unknown.